The following is an entry in ClinVar:

NR_003051.3(RMRP):n.-20_1dupCTCTGTGAAGCTGAGGACGTG

Gene: RMRP (RNA component of mitochondrial RNA processing endoribonuclease; minus strand). Cytogenetic location: 9p13.3.
Variant type: Duplication.
Molecular consequence: non-coding transcript variant (on NR_003051.3).
Genome position: GRCh38 VCF-style: chr9-35658017-C-CCACGTCCTCAGCTTCACAGAG. GRCh37 (hg19) VCF-style: chr9-35658014-C-CCACGTCCTCAGCTTCACAGAG.
Identifiers: ClinVar variation 929121 (VCV000929121.10), dbSNP rs1563907710, ClinGen allele CA587570183.

ClinVar aggregate classification (germline): Likely pathogenic. Review status: reviewed by expert panel (3 of 4 stars). 4 submissions from 4 submitters: Likely pathogenic (1). 3 of the submissions do not count toward it. Last evaluated 2026-10-14.

Conditions:
Anauxetic dysplasia. Identifiers: Orphanet 93347, MedGen C1846796, MONDO:0011773.
Metaphyseal chondrodysplasia, McKusick type (CHH). Also called: Cartilage-hair hypoplasia; Cartilage-Hair Hypoplasia (CHH). Identifiers: Orphanet 175, MedGen C0220748, MONDO:0009595, OMIM 250250.

Allele frequency attached by ClinVar (database versions not stated): gnomAD exomes 0.00003 and 0.00002.

Submissions (4):

ClinGen Severe Combined Immunodeficiency Variant Curation Expert Panel, ClinGen
Classification: Likely pathogenic for Metaphyseal chondrodysplasia, McKusick type. Last evaluated: 2026-10-14. Review status: reviewed by expert panel. Criteria: ClinGen SCID ACMG Specifications RMRP V1.3. Collection method: curation. Allele origin: germline. Inheritance: Autosomal recessive inheritance.
Comment: The n.-20_1dup21 variant, also known as -1_-21dupCTCTGTGAAGCTGAGGACGTG in RMRP gene, that encodes for RNA component of mitochondrial RNA processing endoribonuclease. This variant is located between TATA box (spanning n.-32 to n.-24) and the transcription start site (n.4) [PM1_Strong]. This variant was reported in at least one patient (Patient 24) with this variant displayed metaphyseal dysplasia (1pt), Hirschsprung Disease (0.25), and hypotrichosis (0.5pt), which is highly specific for cartilage-hair hypoplasia (1.75pts, PP4; PMIDs: 16838329). This variant inserts 10 nucleotides (which is >6nt) that increases the distance between the TATA box (spanning n.-32 to n.-24) and the transcription start site (n.4) [PM4_Moderate]. The Grpmax FAF in South Asian population in gnomAD v4.1.0 is 0.00000494, which is less than the threshold 0.0000447 (PM2_Supporting). Therefore, the n.-20_1dup21 variant in RMRP gene is classified as likely pathogenic. [Evidences: PM1_Strong, PM4, PP4, PM2_Supp]

Labcorp Genetics (formerly Invitae), Labcorp
Classification: Pathogenic for Anauxetic dysplasia. Last evaluated: 2025-08-11. Review status: criteria provided, single submitter. Criteria: Invitae Variant Classification Sherloc (09022015). Collection method: clinical testing. Allele origin: germline. Not counted in ClinVar's aggregate classification.
Comment: This variant occurs in the RMRP gene, which encodes an RNA molecule that does not result in a protein product. This variant is present in population databases (no rsID available, gnomAD 0.02%). While this particular variant has not been reported in the literature, it is located in the promoter region between the TATA box and the transcription initiation site, and other insertions and duplications immediately upstream of the coding sequence have been reported in individuals affected with cartilage-hair hypoplasia-anauxetic dysplasia (CHH-AD) spectrum disorders (PMID: 16244706, 11207361, 12107819). ClinVar contains an entry for this variant (Variation ID: 929121). While functional studies for this variant have not been reported, experimental analyses using patient derived cells, as well as in vitro transfection studies, have shown that promoter insertions result in silencing of RMRP transcription and reduced expression of the gene product (PMID: 11207361, 16254002). For these reasons, this variant has been classified as Pathogenic.

Natera, Inc.
Classification: Pathogenic for Cartilage-hair hypoplasia. Last evaluated: 2024-03-23. Review status: criteria provided, single submitter. Criteria: Natera Variant Classification Schema (03/2026). Collection method: clinical testing. Allele origin: germline. Not counted in ClinVar's aggregate classification.
Comment: The n.-20_1dupCTCTGTGAAGCTGAGGACGTG variant in RMRP is a duplication affecting the RMRP promoter region between the TATA box and the transcription initiation site. Other duplications and insertions just upstream of the transcription initiation site have been reported in individuals affected with cartilage-hair hypoplasia (PMID: 11207361, 17937437). This variant is rare in the general population with a frequency below the threshold expected for the associated phenotype(s). This variant has been observed in one or more individuals affected with the associated recessive disease, as either homozygous or compound heterozygous with a second variant (PMID: 16838329). Given the available evidence, this variant is classified as Pathogenic.

Women's Health and Genetics/Laboratory Corporation of America, LabCorp
Classification: Likely pathogenic for Metaphyseal chondrodysplasia, McKusick type. Last evaluated: 2022-08-01. Review status: criteria provided, single submitter. Criteria: LabCorp Variant Classification Summary - May 2015. Collection method: clinical testing. Allele origin: germline. Not counted in ClinVar's aggregate classification.
Comment: Variant summary: RMRP n.-20_1dup21involves the duplication of 21 nucleotides in the promoter region of the RMRP gene which is located between the TATA box (at position -33 to -25) and the transcription initiation site (at +1). Other insertions or duplications in the promoter region of RMRP have been classified as pathogenic (internally and in ClinVar). The variant allele was found at a frequency of 3.1e-05 in 128028 control chromosomes (gnomAD). n.-20_1dup21 has been reported in the literature in at least one individual affected with Cartilage-Hair Hypoplasia (e.g. Hermanns_2005). These data do not allow any conclusion about variant significance. To our knowledge, no experimental evidence demonstrating an impact on protein function has been reported. However, many other insertions or duplications in the promoter region of RMRP have been reported in affected individuals in the literature (e.g. PMIDs: 21956908, 21396580) and have been demonstrated through functional studies to lead to reduced RMRP transcription (e.g. PMIDs: 11207361, 16254002). One other clinical diagnostic laboratory has submitted clinical-significance assessments for this variant to ClinVar after 2014 and classified the variant as pathogenic. Based on the evidence outlined above, the variant was classified as likely pathogenic.

Literature cited by the submitters: PubMed 16244706 (cited by Labcorp Genetics (formerly Invitae), Labcorp); PubMed 11207361 (cited by Labcorp Genetics (formerly Invitae), Labcorp and Natera, Inc.); PubMed 12107819 (cited by Labcorp Genetics (formerly Invitae), Labcorp); PubMed 16254002 (cited by Labcorp Genetics (formerly Invitae), Labcorp and Women's Health and Genetics/Laboratory Corporation of America, LabCorp); PubMed 17937437 (cited by Natera, Inc.); PubMed 16838329 (cited by Natera, Inc.).